The following is an entry in ClinVar:

NM_000081.4(LYST):c.2807C>A (p.Pro936His)

Gene: LYST (lysosomal trafficking regulator; minus strand). Cytogenetic location: 1q42.3.
Variant type: single nucleotide variant.
Coding change: c.2807C>A on transcript NM_000081.4 (MANE Select); coding-DNA position 2807, C replaced by A.
Protein change: p.Pro936His; replaces proline 936 with histidine.
Molecular consequence: missense variant.
Genome position (GRCh38, 1-based): chr1:235,806,329, G>T on the plus strand (C>A on the coding strand, the complement: LYST is on the minus strand). VCF-style: chr1-235806329-G-T. GRCh37 (hg19) VCF-style: chr1-235969629-G-T.
Other names: c.2807C>A (NM_000081.2); c.2807C>A, p.Pro936His (NM_001301365.1); short protein forms P936H.
Identifiers: ClinVar variation 965165 (VCV000965165.9), dbSNP rs769041317, ClinGen allele CA1467207.

ClinVar aggregate classification (germline): Uncertain significance. Review status: criteria provided, multiple submitters, no conflicts (2 of 4 stars). 2 submissions from 2 submitters: Uncertain significance (2). Last evaluated 2025-08-25.

Conditions:
Inborn genetic diseases. Identifiers: MedGen C0950123, MeSH D030342.
Chédiak-Higashi syndrome (CHS). Also called: Chediak-Higashi Syndrome. Identifiers: Orphanet 167, MedGen C0007965, MONDO:0008963, OMIM 214500.

Allele frequency attached by ClinVar (database versions not stated): gnomAD 0.00001; TOPMed 0.00001; ExAC 0.00002; gnomAD exomes 0.00003.
gnomAD v4.1: 47 of 1,613,888 alleles (0.0029%); highest among the groups gnomAD compares: Non-Finnish European, 0.0038%; no homozygotes.

Submissions (2):

Ambry Genetics
Classification: Uncertain significance for Inborn genetic diseases. Last evaluated: 2025-08-25. Review status: criteria provided, single submitter. Criteria: Ambry Variant Classification Scheme 2023. Collection method: clinical testing. Allele origin: germline.

Labcorp Genetics (formerly Invitae), Labcorp
Classification: Uncertain significance for Chédiak-Higashi syndrome. Last evaluated: 2024-05-30. Review status: criteria provided, single submitter. Criteria: Invitae Variant Classification Sherloc (09022015). Collection method: clinical testing. Allele origin: germline.
Comment: This sequence change replaces proline, which is neutral and non-polar, with histidine, which is basic and polar, at codon 936 of the LYST protein (p.Pro936His). This variant is present in population databases (rs769041317, gnomAD 0.002%). This variant has not been reported in the literature in individuals affected with LYST-related conditions. ClinVar contains an entry for this variant (Variation ID: 965165). Advanced modeling of protein sequence and biophysical properties (such as structural, functional, and spatial information, amino acid conservation, physicochemical variation, residue mobility, and thermodynamic stability) performed at Invitae indicates that this missense variant is not expected to disrupt LYST protein function with a negative predictive value of 80%. In summary, the available evidence is currently insufficient to determine the role of this variant in disease. Therefore, it has been classified as a Variant of Uncertain Significance.